The following is an entry in ClinVar:

ClinVar aggregate classification (germline): Uncertain significance. Review status: criteria provided, multiple submitters, no conflicts (2 of 4 stars). 2 submissions from 2 submitters: Uncertain significance (2). Last evaluated 2025-06-03.

Conditions:
Ataxia-telangiectasia syndrome (AT). Also called: Ataxia telangiectasia (A-T); LOUIS-BAR SYNDROME; Cerebello-oculocutaneous telangiectasia; Immunodeficiency with ataxia telangiectasia; Ataxia-telangiectasia, complementation group D; AT, COMPLEMENTATION GROUP C. Identifiers: Orphanet 100, MedGen C0004135, MONDO:0008840, OMIM 208900.
Hereditary cancer-predisposing syndrome. Also called: Hereditary neoplastic syndrome; Neoplastic Syndromes, Hereditary; Tumor predisposition; Hereditary Cancer Syndrome. Identifiers: Orphanet 140162, MedGen C0027672, MeSH D009386, MONDO:0015356.

Submissions (2):

Labcorp Genetics (formerly Invitae), Labcorp
Classification: Uncertain significance for Ataxia-telangiectasia syndrome. Last evaluated: 2025-06-03. Review status: criteria provided, single submitter. Criteria: Invitae Variant Classification Sherloc (09022015). Collection method: clinical testing. Allele origin: germline.
Comment: This sequence change replaces glutamic acid, which is acidic and polar, with alanine, which is neutral and non-polar, at codon 2676 of the ATM protein (p.Glu2676Ala). This variant is not present in population databases (gnomAD no frequency). This variant has not been reported in the literature in individuals affected with ATM-related conditions. ClinVar contains an entry for this variant (Variation ID: 1761715). Invitae Evidence Modeling of protein sequence and biophysical properties (such as structural, functional, and spatial information, amino acid conservation, physicochemical variation, residue mobility, and thermodynamic stability) indicates that this missense variant is not expected to disrupt ATM protein function with a negative predictive value of 95%. In summary, the available evidence is currently insufficient to determine the role of this variant in disease. Therefore, it has been classified as a Variant of Uncertain Significance.

Ambry Genetics
Classification: Uncertain significance for Hereditary cancer-predisposing syndrome. Last evaluated: 2020-02-27. Review status: criteria provided, single submitter. Criteria: Ambry Variant Classification Scheme 2023. Collection method: clinical testing. Allele origin: germline.
Comment: The p.E2676A variant (also known as c.8027A>C), located in coding exon 54 of the ATM gene, results from an A to C substitution at nucleotide position 8027. The glutamic acid at codon 2676 is replaced by alanine, an amino acid with dissimilar properties. This amino acid position is not well conserved in available vertebrate species. In addition, this alteration is predicted to be tolerated by in silico analysis. Since supporting evidence is limited at this time, the clinical significance of this alteration remains unclear.

NM_000051.4(ATM):c.8027A>C (p.Glu2676Ala)

Genes: ATM (ATM serine/threonine kinase; plus strand), C11orf65 (chromosome 11 open reading frame 65; minus strand). Cytogenetic location: 11q22.3.
Variant type: single nucleotide variant.
Coding change: c.8027A>C on transcript NM_000051.4 (MANE Select); coding-DNA position 8027, A replaced by C.
Protein change: p.Glu2676Ala; replaces glutamic acid 2676 with alanine.
Molecular consequence: missense variant. On other transcripts: intron variant (2).
Genome position (GRCh38, 1-based): chr11:108,334,985, A>C. VCF-style: chr11-108334985-A-C. GRCh37 (hg19) VCF-style: chr11-108205712-A-C.
Other names: c.8027A>C, p.Glu2676Ala (NM_001351834.2); c.641-25914T>G (NM_001330368.2); c.*38+235T>G (NM_001351110.2); short protein forms E2676A.
Identifiers: ClinVar variation 1761715 (VCV001761715.2), dbSNP rs2136653996, ClinGen allele CA382561868.